The following is an entry in ClinVar:

NM_080680.3(COL11A2):c.798+57_798+68del

Gene: COL11A2 (collagen type XI alpha 2 chain; minus strand). Cytogenetic location: 6p21.32.
Variant type: Deletion.
Coding change: c.798+57_798+68del on transcript NM_080680.3 (MANE Select); bases 57 to 68 of the intron after coding-DNA position 798, 12 bases deleted (AGGCATCTCTCC).
Molecular consequence: intron variant. On other transcripts: inframe deletion (1), non-coding transcript variant (1).
Genome position (GRCh38, 1-based): chr6:33,186,559-33,186,570, GGAGAGATGCCT deleted on the plus strand (AGGCATCTCTCC on the coding strand, the reverse complement: COL11A2 is on the minus strand); deleting any 12 consecutive bases within chr6:33,186,559-33,186,572 gives the same sequence; the c. name uses the placement nearest the transcript's 3' end. VCF-style (leftmost placement, unchanged base first): chr6-33186558-AGGAGAGATGCCT-A. GRCh37 (hg19) VCF-style: chr6-33154335-AGGAGAGATGCCT-A.
Other names: c.855_866del, p.Gly286_Pro289del (NM_001163771.2); c.-49+57_-49+68del (NM_001424111.1, NM_001424110.1, NM_001424109.1); c.798+57_798+68del (NM_080679.3, NM_080681.3, NM_001424108.1).
Identifiers: ClinVar variation 4819501 (VCV004819501.2).
Genomic context (GRCh38, chr6:33,186,558, plus strand): 5'-GAGGACTAGGAGGAGGGGGTGATGGGAATAGGGAGATGAGGGTGGGGAGGACAACTAAGG[AGGAGAGATGCCT>A]GGGTGTCTTCCCTCTCTGGGGTGTGCTGCACTTGGGGGTTCTCCCAGCTCCCTCACCTGG-3'

ClinVar aggregate classification (germline): Conflicting classifications of pathogenicity. Review status: criteria provided, conflicting classifications (1 of 4 stars). 2 submissions from 2 submitters: Uncertain significance (1); Likely benign (1). Last evaluated 2025-10-01.

Submissions (2):

GeneDx
Classification: Uncertain significance. Last evaluated: 2025-10-01. Review status: criteria provided, single submitter. Criteria: GeneDx Variant Classification Process June 2021. Collection method: clinical testing. Allele origin: germline. Affected: yes.
Comment: In-frame deletion of 4 amino acids in a non-repeat region; Not observed at significant frequency in large population cohorts (gnomAD); In silico analysis suggests that this missense variant does not alter protein structure/function; Has not been previously published as pathogenic or benign to our knowledge; Reported using an alternate transcript of the gene

Blueprint Genetics
Classification: Likely benign. Last evaluated: 2022-01-27. Review status: criteria provided, single submitter. Criteria: ACMG Guidelines, 2015. Collection method: clinical testing. Allele origin: germline.